The following is an entry in ClinVar:

NM_001267550.2(TTN):c.85493G>A (p.Trp28498Ter)

Genes: TTN (titin; minus strand), TTN-AS1 (TTN antisense RNA 1; plus strand). Cytogenetic location: 2q31.2.
Variant type: single nucleotide variant.
Coding change: c.85493G>A on transcript NM_001267550.2 (MANE Select); coding-DNA position 85493, G replaced by A.
Protein change: p.Trp28498Ter; replaces tryptophan 28498 with a stop codon.
Molecular consequence: nonsense.
Genome position (GRCh38, 1-based): chr2:178,560,639, C>T on the plus strand (G>A on the coding strand, the complement: TTN is on the minus strand). VCF-style: chr2-178560639-C-T. GRCh37 (hg19) VCF-style: chr2-179425366-C-T.
Other names: c.80570G>A, p.Trp26857Ter (NM_001256850.1); c.58298G>A, p.Trp19433Ter (NM_003319.4); c.77789G>A, p.Trp25930Ter (NM_133378.4); c.58673G>A, p.Trp19558Ter (NM_133432.3); c.58874G>A, p.Trp19625Ter (NM_133437.4); short protein forms W28498*, W19625*, W25930*, W26857*, W19433*, W19558*.
Identifiers: ClinVar variation 2100086 (VCV002100086.7), dbSNP rs756499458, ClinGen allele CA60984655.

ClinVar aggregate classification (germline): Likely pathogenic. Review status: criteria provided, multiple submitters, no conflicts (2 of 4 stars). 3 submissions from 3 submitters: Likely pathogenic (2). 1 of the submissions does not count toward it. Last evaluated 2026-03-26.

Conditions:
Dilated cardiomyopathy 1G (CMD1G). Identifiers: Orphanet 154, MedGen C1858763, MONDO:0011400, OMIM 604145.
Autosomal recessive limb-girdle muscular dystrophy type 2J (LGMDR10). Also called: Limb-girdle muscular dystrophy, type 2J; MUSCULAR DYSTROPHY, LIMB-GIRDLE, AUTOSOMAL RECESSIVE 10. Identifiers: Orphanet 140922, MedGen C1837342, MONDO:0012127, OMIM 608807.

Allele frequency attached by ClinVar (database versions not stated): gnomAD exomes below 0.00001.
gnomAD v4.1: 2 of 1,613,582 alleles (0.00012%); highest among the groups gnomAD compares: Admixed American, 0.0033%; no homozygotes.

Submissions (3):

Dasa
Classification: Likely pathogenic. Last evaluated: 2026-03-26. Review status: criteria provided, single submitter. Criteria: DASA Assertion Criteria. Collection method: clinical testing. Allele origin: germline.
Comment: NM_001267550.2(TTN):c.85493G>A (p.Trp28498*) is a nonsense variant in TTN predicted to introduce a premature termination codon and is predicted to result in an absent or altered protein product. Loss of function is an established disease mechanism for TTN-associated disorders. Published studies describe this variant in association with related phenotype (PMID: 36166435). Also, this variant is rare in population databases. Based on the currently available evidence, this variant is classified as likely pathogenic.

Labcorp Genetics (formerly Invitae), Labcorp
Classification: Likely pathogenic for Dilated cardiomyopathy 1G; Autosomal recessive limb-girdle muscular dystrophy type 2J. Last evaluated: 2025-06-25. Review status: criteria provided, single submitter. Criteria: Invitae Variant Classification Sherloc (09022015). Collection method: clinical testing. Allele origin: germline.
Comment: This sequence change creates a premature translational stop signal (p.Trp28498*) in the TTN gene. While this is not anticipated to result in nonsense mediated decay, it is expected to create a truncated TTN protein. This variant is not present in population databases (gnomAD no frequency). This premature translational stop signal has been observed in individual(s) with dilated cardiomyopathy (PMID: 36166435). ClinVar contains an entry for this variant (Variation ID: 2100086). This variant is located in the A band of TTN (PMID: 25589632). Truncating variants in this region are significantly overrepresented in patients affected with dilated cardiomyopathy (PMID: 25589632). Truncating variants in this region have also been reported in individuals affected with autosomal recessive centronuclear myopathy (PMID: 23975875). In summary, the currently available evidence indicates that the variant is pathogenic, but additional data are needed to prove that conclusively. Therefore, this variant has been classified as Likely Pathogenic.

Cardiogenetics and Myogenetics Molecular and Cellular Functional Unit, Aphp Sorbonne University-Hopital Pitie Salpetriere
Classification: Likely pathogenic for Dilated cardiomyopathy 1G. Last evaluated: 2024-01-06. Review status: no assertion criteria provided. Collection method: clinical testing. Allele origin: germline. Affected: yes. Not counted in ClinVar's aggregate classification.

Literature cited by the submitters: PubMed 36166435 (cited by Dasa and Labcorp Genetics (formerly Invitae), Labcorp); PubMed 25589632 (cited by Labcorp Genetics (formerly Invitae), Labcorp); PubMed 23975875 (cited by Labcorp Genetics (formerly Invitae), Labcorp).